The following is an entry in ClinVar:

ClinVar aggregate classification (germline): Conflicting classifications of pathogenicity. Review status: criteria provided, conflicting classifications (1 of 4 stars). 11 submissions from 11 submitters: Uncertain significance (1); Benign (2); Likely benign (5). 3 of the submissions do not count toward it. Last evaluated 2026-08-15.

Conditions:
PKHD1-related disorder. Also called: PKHD1-related condition.
Polycystic kidney disease 4 (PKD4). Also called: POLYCYSTIC KIDNEY AND HEPATIC DISEASE 1; POLYCYSTIC KIDNEY DISEASE, INFANTILE, TYPE I; POLYCYSTIC KIDNEY DISEASE 4 WITH OR WITHOUT POLYCYSTIC LIVER DISEASE; PKD3; Autosomal Recessive Polycystic Kidney Disease – PKHD1. Identifiers: MedGen C4540575, MONDO:0033004, OMIM 263200.
Autosomal recessive polycystic kidney disease (ARPKD). Also called: AR polycystic kidney disease. Identifiers: Orphanet 731, Orphanet 8378, MedGen C0085548, MeSH D017044, MONDO:0009889.

Allele frequency attached by ClinVar (database versions not stated): gnomAD exomes 0.00145 and 0.00130; 1000 Genomes Project 30x 0.00078; 1000 Genomes Project 0.00080; ESP Exome Variant Server 0.00115; TOPMed 0.00119; gnomAD 0.00133 and 0.00135; ExAC 0.00143.
gnomAD v4.1: 2,315 of 1,614,246 alleles (0.14%); highest among the groups gnomAD compares: Non-Finnish European, 0.17%; 4 homozygotes.

Submissions (11):

PreventionGenetics, part of Exact Sciences
Classification: Likely benign for PKHD1-related condition. Last evaluated: 2026-08-15. Review status: criteria provided, single submitter. Criteria: ACMG Guidelines, 2015. Collection method: clinical testing. Allele origin: germline.
Comment: This variant is classified as likely benign based on ACMG/AMP sequence variant interpretation guidelines (Richards et al. 2015 PMID: 25741868, with internal and published modifications).

Labcorp Genetics (formerly Invitae), Labcorp
Classification: Benign for Autosomal recessive polycystic kidney disease. Last evaluated: 2026-02-02. Review status: criteria provided, single submitter. Criteria: Invitae Variant Classification Sherloc (09022015). Collection method: clinical testing. Allele origin: germline.

Blueprint Genetics
Classification: Likely benign. Last evaluated: 2024-11-08. Review status: criteria provided, single submitter. Criteria: ACMG Guidelines, 2015. Collection method: clinical testing. Allele origin: germline.

GeneDx
Classification: Likely benign. Last evaluated: 2021-04-21. Review status: criteria provided, single submitter. Criteria: GeneDx Variant Classification Process June 2021. Collection method: clinical testing. Allele origin: germline. Affected: yes.
Comment: This variant is associated with the following publications: (PMID: 12846734, 15108277)

Department of Pathology and Laboratory Medicine, Sinai Health System
Classification: Benign for Polycystic kidney disease 4. Last evaluated: 2019-10-22. Review status: criteria provided, single submitter. Criteria: ACMG Guidelines, 2015. Collection method: clinical testing. Allele origin: germline. Affected: yes.

Women's Health and Genetics/Laboratory Corporation of America, LabCorp
Classification: Likely benign. Last evaluated: 2019-08-29. Review status: criteria provided, single submitter. Criteria: LabCorp Variant Classification Summary - May 2015. Collection method: clinical testing. Allele origin: germline.

Eurofins Ntd Llc (ga)
Classification: Likely benign. Last evaluated: 2017-07-13. Review status: criteria provided, single submitter. Criteria: EGL Classification Definitions 2015. Collection method: clinical testing. Allele origin: germline. Observed: 3 variant alleles, 3 heterozygotes.

Illumina Laboratory Services, Illumina
Classification: Uncertain significance for Polycystic kidney disease 4. Last evaluated: 2017-04-27. Review status: criteria provided, single submitter. Criteria: ICSL Variant Classification Criteria 13 December 2019. Collection method: clinical testing. Allele origin: germline.
Comment: This variant was observed as part of a predisposition screen in an ostensibly healthy population. A literature search was performed for the gene, cDNA change, and amino acid change (where applicable). Publications were found based on this search. However, the evidence from the literature, in combination with allele frequency data from public databases where available, was not sufficient to rule this variant in or out of causing disease. Therefore, this variant is classified as a variant of unknown significance.

Natera, Inc.
Classification: Likely benign for Autosomal recessive polycystic kidney disease. Last evaluated: 2019-08-02. Review status: no assertion criteria provided. Collection method: clinical testing. Allele origin: germline. Not counted in ClinVar's aggregate classification.

Genome Diagnostics Laboratory, University Medical Center Utrecht
Classification: Likely benign. Review status: no assertion criteria provided. Collection method: clinical testing. Allele origin: germline. Affected: yes. Study: VKGL Data-share Consensus. Not counted in ClinVar's aggregate classification.

Laboratory of Diagnostic Genome Analysis, Leiden University Medical Center (LUMC)
Classification: Likely benign. Review status: no assertion criteria provided. Collection method: clinical testing. Allele origin: germline. Affected: yes. Study: VKGL Data-share Consensus. Not counted in ClinVar's aggregate classification.

Literature cited by the submitters: PubMed 12846734 (cited by Department of Pathology and Laboratory Medicine, Sinai Health System and Illumina Laboratory Services, Illumina); PubMed 15698423 (cited by Department of Pathology and Laboratory Medicine, Sinai Health System); PubMed 15805161 (cited by Department of Pathology and Laboratory Medicine, Sinai Health System); PubMed 15108277 (cited by Eurofins Ntd Llc (ga) and Illumina Laboratory Services, Illumina).

NM_138694.4(PKHD1):c.3537T>C (p.Asn1179=)

Gene: PKHD1 (PKHD1 ciliary IPT domain containing fibrocystin/polyductin; minus strand). Cytogenetic location: 6p12.2.
Variant type: single nucleotide variant.
Coding change: c.3537T>C on transcript NM_138694.4 (MANE Select); coding-DNA position 3537, T replaced by C.
Protein change: p.Asn1179=; no amino-acid change (asparagine 1179 retained).
Molecular consequence: synonymous variant.
Genome position (GRCh38, 1-based): chr6:52,028,179, A>G on the plus strand (T>C on the coding strand, the complement: PKHD1 is on the minus strand). VCF-style: chr6-52028179-A-G. GRCh37 (hg19) VCF-style: chr6-51892977-A-G.
Other names: c.3537T>C, p.Asn1179= (NM_170724.3).
Identifiers: ClinVar variation 96396 (VCV000096396.30), dbSNP rs141574387, ClinGen allele CA224068.